The following is an entry in ClinVar:

ClinVar aggregate classification (germline): Uncertain significance. Review status: criteria provided, multiple submitters, no conflicts (2 of 4 stars). 2 submissions from 2 submitters: Uncertain significance (2). Last evaluated 2023-01-18.

Conditions:
Inborn genetic diseases. Identifiers: MedGen C0950123, MeSH D030342.
LAMA2-related muscular dystrophy (LAMA2-RD). Also called: Laminin alpha 2-related dystrophy. Identifiers: MedGen C5679788, MONDO:0100228.

Allele frequency attached by ClinVar (database versions not stated): gnomAD exomes below 0.00001; ExAC 0.00001; gnomAD 0.00001.
gnomAD v4.1: 30 of 1,613,724 alleles (0.0019%); highest among the groups gnomAD compares: Middle Eastern, 0.016%; no homozygotes.

Submissions (2):

Ambry Genetics
Classification: Uncertain significance for Inborn genetic diseases. Last evaluated: 2023-01-18. Review status: criteria provided, single submitter. Criteria: Ambry Variant Classification Scheme 2023. Collection method: clinical testing. Allele origin: germline.

Labcorp Genetics (formerly Invitae), Labcorp
Classification: Uncertain significance for LAMA2-related muscular dystrophy. Last evaluated: 2022-06-28. Review status: criteria provided, single submitter. Criteria: Invitae Variant Classification Sherloc (09022015). Collection method: clinical testing. Allele origin: germline.
Comment: This sequence change replaces isoleucine, which is neutral and non-polar, with threonine, which is neutral and polar, at codon 2544 of the LAMA2 protein (p.Ile2544Thr). This variant is present in population databases (rs769655658, gnomAD 0.0009%). This variant has not been reported in the literature in individuals affected with LAMA2-related conditions. Advanced modeling of protein sequence and biophysical properties (such as structural, functional, and spatial information, amino acid conservation, physicochemical variation, residue mobility, and thermodynamic stability) performed at Invitae indicates that this missense variant is not expected to disrupt LAMA2 protein function. In summary, the available evidence is currently insufficient to determine the role of this variant in disease. Therefore, it has been classified as a Variant of Uncertain Significance.

NM_000426.4(LAMA2):c.7631T>C (p.Ile2544Thr)

Gene: LAMA2 (laminin subunit alpha 2; plus strand). Cytogenetic location: 6q22.33.
Variant type: single nucleotide variant.
Coding change: c.7631T>C on transcript NM_000426.4 (MANE Select); coding-DNA position 7631, T replaced by C.
Protein change: p.Ile2544Thr; replaces isoleucine 2544 with threonine.
Molecular consequence: missense variant.
Genome position (GRCh38, 1-based): chr6:129,481,321, T>C. VCF-style: chr6-129481321-T-C. GRCh37 (hg19) VCF-style: chr6-129802466-T-C.
Other names: c.7631T>C (NM_000426.3); c.7619T>C, p.Ile2540Thr (NM_001079823.2); short protein forms I2544T, I2540T.
Identifiers: ClinVar variation 1396383 (VCV001396383.4), dbSNP rs769655658, ClinGen allele CA3994625.